The following is an entry in ClinVar:

ClinVar aggregate classification (germline): Benign. Review status: criteria provided, multiple submitters, no conflicts (2 of 4 stars). 4 submissions from 4 submitters: Benign (4). Last evaluated 2025-02-17.

Conditions:
PDCD1-related disorder. Also called: PDCD1-related condition.

Allele frequency attached by ClinVar (database versions not stated): ESP Exome Variant Server 0.01246; gnomAD exomes 0.03715 and 0.09222; gnomAD 0.04216 and 0.04955; TOPMed 0.05953; ExAC 0.08270; 1000 Genomes Project 30x 0.13195; 1000 Genomes Project 0.13678.
gnomAD v4.1: 62,111 of 1,610,454 alleles (3.9%); highest among the groups gnomAD compares: East Asian, 48%; 7,949 homozygotes.

Submissions (4):

PreventionGenetics, part of Exact Sciences
Classification: Benign for PDCD1-related condition. Last evaluated: 2025-02-17. Review status: criteria provided, single submitter. Criteria: ACMG Guidelines, 2015. Collection method: clinical testing. Allele origin: germline.
Comment: This variant is classified as benign based on ACMG/AMP sequence variant interpretation guidelines (Richards et al. 2015 PMID: 25741868, with internal and published modifications).

Unidad de Genómica Garrahan, Hospital de Pediatría Garrahan
Classification: Benign. Last evaluated: 2024-01-24. Review status: criteria provided, single submitter. Criteria: ACMG Guidelines, 2015. Collection method: clinical testing. Allele origin: germline. Affected: no. Observed: 35 variant alleles.
Comment: This variant is classified as Benign based on local population frequency. This variant was detected in 37% of patients studied by a panel of primary immunodeficiencies. Number of patients: 35. Only high quality variants are reported.

GeneDx
Classification: Benign. Last evaluated: 2018-11-12. Review status: criteria provided, single submitter. Criteria: GeneDx Variant Classification Process June 2021. Collection method: clinical testing. Allele origin: germline. Affected: yes.
Comment: This variant is associated with the following publications: (PMID: 24269013, 30540488)

Breakthrough Genomics
Classification: Benign. Review status: criteria provided, single submitter. Criteria: ACMG Guidelines, 2015. Collection method: not provided. Allele origin: germline. Inheritance: Multifactorial inheritance. Affected: yes.

NM_005018.3(PDCD1):c.644C>T (p.Ala215Val)

Gene: PDCD1 (programmed cell death 1; minus strand). Cytogenetic location: 2q37.3.
Variant type: single nucleotide variant.
Coding change: c.644C>T on transcript NM_005018.3 (MANE Select); coding-DNA position 644, C replaced by T.
Protein change: p.Ala215Val; replaces alanine 215 with valine.
Molecular consequence: missense variant.
Genome position (GRCh38, 1-based): chr2:241,851,281, G>A on the plus strand (C>T on the coding strand, the complement: PDCD1 is on the minus strand). VCF-style: chr2-241851281-G-A. GRCh37 (hg19) VCF-style: chr2-242793433-G-A.
Other names: short protein forms A215V.
Identifiers: ClinVar variation 1282693 (VCV001282693.5), dbSNP rs2227982, ClinGen allele CA2223252.